The following is an entry in ClinVar:

NM_000138.5(FBN1):c.3299G>C (p.Gly1100Ala)

Gene: FBN1 (fibrillin 1; minus strand). Cytogenetic location: 15q21.1.
Variant type: single nucleotide variant.
Coding change: c.3299G>C on transcript NM_000138.5 (MANE Select); coding-DNA position 3299, G replaced by C.
Protein change: p.Gly1100Ala; replaces glycine 1100 with alanine.
Molecular consequence: missense variant.
Genome position (GRCh38, 1-based): chr15:48,488,151, C>G on the plus strand (G>C on the coding strand, the complement: FBN1 is on the minus strand). VCF-style: chr15-48488151-C-G. GRCh37 (hg19) VCF-style: chr15-48780348-C-G.
Other names: short protein forms G1100A.
Identifiers: ClinVar variation 549151 (VCV000549151.6), dbSNP rs112547596, ClinGen allele CA269532002.

ClinVar aggregate classification (germline): Likely pathogenic. Review status: criteria provided, multiple submitters, no conflicts (2 of 4 stars). 3 submissions from 3 submitters: Likely pathogenic (2). 1 of the submissions does not count toward it. Last evaluated 2025-11-10.

Conditions:
Familial thoracic aortic aneurysm and aortic dissection (TAAD). Also called: Thoracic aortic aneurysms and dissections. Identifiers: Orphanet 91387, MedGen C4707243, MONDO:0019625.
Marfan syndrome (MFS). Also called: Marfan syndrome type 1; Marfan syndrome, classic; Marfan's syndrome; FBN1-Related Marfan Syndrome; MARFAN SYNDROME, TYPE I. Identifiers: Orphanet 284963, Orphanet 558, MedGen C0024796, MONDO:0007947, OMIM 154700.

Submissions (3):

Labcorp Genetics (formerly Invitae), Labcorp
Classification: Likely pathogenic for Marfan syndrome; Familial thoracic aortic aneurysm and aortic dissection. Last evaluated: 2025-11-10. Review status: criteria provided, single submitter. Criteria: Invitae Variant Classification Sherloc (09022015). Collection method: clinical testing. Allele origin: germline.
Comment: This sequence change replaces glycine, which is neutral and non-polar, with alanine, which is neutral and non-polar, at codon 1100 of the FBN1 protein (p.Gly1100Ala). This variant is not present in population databases (gnomAD no frequency). This variant has not been reported in the literature in individuals affected with FBN1-related conditions. ClinVar contains an entry for this variant (Variation ID: 549151). Invitae Evidence Modeling of protein sequence and biophysical properties (such as structural, functional, and spatial information, amino acid conservation, physicochemical variation, residue mobility, and thermodynamic stability) indicates that this missense variant is expected to disrupt FBN1 protein function with a positive predictive value of 95%. This variant disrupts the p.Gly1100 amino acid residue in FBN1. Other variant(s) that disrupt this residue have been determined to be pathogenic (PMID: 29768367; internal data). This suggests that this residue is clinically significant, and that variants that disrupt this residue are likely to be disease-causing. In summary, the currently available evidence indicates that the variant is pathogenic, but additional data are needed to prove that conclusively. Therefore, this variant has been classified as Likely Pathogenic.

GeneDx
Classification: Likely pathogenic. Last evaluated: 2021-11-16. Review status: criteria provided, single submitter. Criteria: GeneDx Variant Classification Process June 2021. Collection method: clinical testing. Allele origin: germline. Affected: yes.
Comment: Has not been previously published as pathogenic or benign to our knowledge; Not observed in large population cohorts (Lek et al., 2016); In silico analysis, which includes protein predictors and evolutionary conservation, supports a deleterious effect; Located in a cb-EGF-like domain at a glycine residue that is highly conserved across other similarly structured domains in the fibrillin-1 protein

Center for Medical Genetics Ghent, University of Ghent
Classification: Likely pathogenic for Marfan syndrome. Last evaluated: 2017-11-07. Review status: no assertion criteria provided. Collection method: clinical testing. Allele origin: de novo. Affected: yes. Not counted in ClinVar's aggregate classification.

Literature cited by the submitters: PubMed 29768367 (cited by Labcorp Genetics (formerly Invitae), Labcorp).